The following is an entry in ClinVar:

NM_001739.2(CA5A):c.135T>A (p.Asn45Lys)

Gene: CA5A (carbonic anhydrase 5A; minus strand). Cytogenetic location: 16q24.2.
Variant type: single nucleotide variant.
Coding change: c.135T>A on transcript NM_001739.2 (MANE Select); coding-DNA position 135, T replaced by A.
Protein change: p.Asn45Lys; replaces asparagine 45 with lysine.
Molecular consequence: missense variant. On other transcripts: non-coding transcript variant (2).
Genome position (GRCh38, 1-based): chr16:87,936,316, A>T on the plus strand (T>A on the coding strand, the complement: CA5A is on the minus strand). VCF-style: chr16-87936316-A-T. GRCh37 (hg19) VCF-style: chr16-87969922-A-T.
Other names: c.135T>A, p.Asn45Lys (NM_001367225.1); short protein forms N45K.
Identifiers: ClinVar variation 380517 (VCV000380517.15), dbSNP rs77325391, ClinGen allele CA8223629.

ClinVar aggregate classification (germline): Benign. Review status: criteria provided, multiple submitters, no conflicts (2 of 4 stars). 4 submissions from 4 submitters: Benign (3). 1 of the submissions does not count toward it. Last evaluated 2026-01-27.

Conditions:
Hyperammonemic encephalopathy due to carbonic anhydrase VA deficiency. Also called: Carbonic Anhydrase VA Deficiency; Carbonic anhydrase VA deficiency, hyperammonemia due to. Identifiers: Orphanet 401948, MedGen C4706871, MONDO:0014332, OMIM 615751.

Allele frequency attached by ClinVar (database versions not stated): ExAC 0.00717; gnomAD 0.02251 and 0.02424; gnomAD exomes 0.00581; ESP Exome Variant Server 0.02485; TOPMed 0.02493; 1000 Genomes Project 0.02536; 1000 Genomes Project 30x 0.02748.
gnomAD v4.1: 6,767 of 1,612,282 alleles (0.42%); highest among the groups gnomAD compares: African/African-American, 7.6%; 216 homozygotes.

Submissions (4):

Labcorp Genetics (formerly Invitae), Labcorp
Classification: Benign for Hyperammonemic encephalopathy due to carbonic anhydrase VA deficiency. Last evaluated: 2026-01-27. Review status: criteria provided, single submitter. Criteria: Invitae Variant Classification Sherloc (09022015). Collection method: clinical testing. Allele origin: germline.

GeneDx
Classification: Benign. Last evaluated: 2016-02-24. Review status: criteria provided, single submitter. Criteria: GeneDx Variant Classification (06012015). Collection method: clinical testing. Allele origin: germline. Affected: yes.
Comment: This variant is considered likely benign or benign based on one or more of the following criteria: it is a conservative change, it occurs at a poorly conserved position in the protein, it is predicted to be benign by multiple in silico algorithms, and/or has population frequency not consistent with disease.

Breakthrough Genomics
Classification: Benign. Review status: criteria provided, single submitter. Criteria: ACMG Guidelines, 2015. Collection method: not provided. Allele origin: germline. Inheritance: Autosomal recessive inheritance. Affected: yes.

Mayo Clinic Laboratories, Mayo Clinic
Classification: Benign. Last evaluated: 2017-08-04. Review status: no assertion criteria provided. Collection method: clinical testing. Allele origin: unknown. Not counted in ClinVar's aggregate classification.